The following is an entry in ClinVar:

ClinVar aggregate classification (germline): Uncertain significance (1 of 4 stars; one submission).

gnomAD v4.1: 18 of 1,487,130 alleles (0.0012%); highest among the groups gnomAD compares: African/African-American, 0.0015%; no homozygotes.

Submission:

Labcorp Genetics (formerly Invitae), Labcorp
Classification: Uncertain significance. Last evaluated: 2024-02-26. Review status: criteria provided, single submitter. Criteria: Invitae Variant Classification Sherloc (09022015). Collection method: clinical testing. Allele origin: germline.
Comment: This sequence change falls in intron 14 of the EIF2AK1 gene. It does not directly change the encoded amino acid sequence of the EIF2AK1 protein. It affects a nucleotide within the consensus splice site. This variant is present in population databases (rs771507564, gnomAD 0.004%). This variant has not been reported in the literature in individuals affected with EIF2AK1-related conditions. Variants that disrupt the consensus splice site are a relatively common cause of aberrant splicing (PMID: 17576681, 9536098). Algorithms developed to predict the effect of sequence changes on RNA splicing suggest that this variant is not likely to affect RNA splicing. In summary, the available evidence is currently insufficient to determine the role of this variant in disease. Therefore, it has been classified as a Variant of Uncertain Significance.

Literature cited by the submitters: PubMed 17576681; PubMed 9536098.

NM_014413.4(EIF2AK1):c.1765-3C>T

Gene: EIF2AK1 (eukaryotic translation initiation factor 2 alpha kinase 1; minus strand). Cytogenetic location: 7p22.1.
Variant type: single nucleotide variant.
Coding change: c.1765-3C>T on transcript NM_014413.4 (MANE Select); 3 bases into the intron before coding-DNA position 1765, C replaced by T.
Molecular consequence: intron variant.
Genome position (GRCh38, 1-based): chr7:6,024,804, G>A on the plus strand (C>T on the coding strand, the complement: EIF2AK1 is on the minus strand). VCF-style: chr7-6024804-G-A. GRCh37 (hg19) VCF-style: chr7-6064435-G-A.
Other names: c.1762-3C>T (NM_001134335.2).
Identifiers: ClinVar variation 3698463 (VCV003698463.2).
Genomic context (GRCh38, chr7:6,024,804, plus strand): 5'-TTAGTTCTGCAATTTCTTTTTCTTGCTCTATTATCTTCATCTGTAGGGTGAGGTTAACCT[G>A]TAAGGAGAAAATATTTTAAACTCCATTAAAATAACTTTTTTTTTTTTTTTTTGAGACAGA-3'